The following is an entry in ClinVar:

NM_004370.6(COL12A1):c.602A>G (p.Asp201Gly)

Gene: COL12A1 (collagen type XII alpha 1 chain; minus strand). Cytogenetic location: 6q13.
Variant type: single nucleotide variant.
Coding change: c.602A>G on transcript NM_004370.6 (MANE Select); coding-DNA position 602, A replaced by G.
Protein change: p.Asp201Gly; replaces aspartic acid 201 with glycine.
Molecular consequence: missense variant. On other transcripts: intron variant (2).
Genome position (GRCh38, 1-based): chr6:75,189,608, T>C on the plus strand (A>G on the coding strand, the complement: COL12A1 is on the minus strand). VCF-style: chr6-75189608-T-C. GRCh37 (hg19) VCF-style: chr6-75899324-T-C.
Other names: c.602A>G, p.Asp201Gly (NM_001424113.1, NM_001424114.1, NM_001424115.1); c.73+13112A>G (NM_001424116.1, NM_080645.3); short protein forms D201G.
Identifiers: ClinVar variation 2940703 (VCV002940703.3), dbSNP rs769261241, ClinGen allele CA364728724.

ClinVar aggregate classification (germline): Uncertain significance (1 of 4 stars; one submission).

Conditions:
Ullrich congenital muscular dystrophy 2 (UCMD2). Identifiers: Orphanet 75840, MedGen C4225314, MONDO:0014654, OMIM 616470.
Bethlem myopathy 2 (BTHLM2). Identifiers: Orphanet 536516, Orphanet 610, MedGen C4225313, MONDO:0034022, OMIM 616471.

gnomAD v4.1: 1 of 1,613,382 alleles (0.000062%); highest among the groups gnomAD compares: Non-Finnish European, 0.000085%; no homozygotes.

Submission:

Labcorp Genetics (formerly Invitae), Labcorp
Classification: Uncertain significance for Bethlem myopathy 2; Ullrich congenital muscular dystrophy 2. Last evaluated: 2024-11-04. Review status: criteria provided, single submitter. Criteria: Invitae Variant Classification Sherloc (09022015). Collection method: clinical testing. Allele origin: germline.
Comment: This sequence change replaces aspartic acid, which is acidic and polar, with glycine, which is neutral and non-polar, at codon 201 of the COL12A1 protein (p.Asp201Gly). This variant is not present in population databases (gnomAD no frequency). This variant has not been reported in the literature in individuals affected with COL12A1-related conditions. ClinVar contains an entry for this variant (Variation ID: 2940703). Invitae Evidence Modeling of protein sequence and biophysical properties (such as structural, functional, and spatial information, amino acid conservation, physicochemical variation, residue mobility, and thermodynamic stability) indicates that this missense variant is not expected to disrupt COL12A1 protein function with a negative predictive value of 80%. In summary, the available evidence is currently insufficient to determine the role of this variant in disease. Therefore, it has been classified as a Variant of Uncertain Significance.